The following is an entry in ClinVar:

NM_031942.5(CDCA7):c.731C>T (p.Pro244Leu)

Gene: CDCA7 (cell division cycle associated 7; plus strand). Cytogenetic location: 2q31.1.
Variant type: single nucleotide variant.
Coding change: c.731C>T on transcript NM_031942.5 (MANE Select); coding-DNA position 731, C replaced by T.
Protein change: p.Pro244Leu; replaces proline 244 with leucine.
Molecular consequence: missense variant.
Genome position (GRCh38, 1-based): chr2:173,364,826, C>T. VCF-style: chr2-173364826-C-T. GRCh37 (hg19) VCF-style: chr2-174229554-C-T.
Other names: c.494C>T, p.Pro165Leu (NM_145810.3); short protein forms P165L, P244L.
Identifiers: ClinVar variation 964462 (VCV000964462.8), dbSNP rs770948684, ClinGen allele CA1971324.

ClinVar aggregate classification (germline): Uncertain significance. Review status: criteria provided, multiple submitters, no conflicts (2 of 4 stars). 2 submissions from 2 submitters: Uncertain significance (2). Last evaluated 2022-07-25.

Conditions:
Immunodeficiency-centromeric instability-facial anomalies syndrome 3 (ICF3). Identifiers: Orphanet 2268, MedGen C4310799, MONDO:0014828, OMIM 616910.

Allele frequency attached by ClinVar (database versions not stated): gnomAD exomes 0.00001; ExAC 0.00002; gnomAD 0.00006 and 0.00007; TOPMed 0.00009.
gnomAD v4.1: 36 of 1,610,452 alleles (0.0022%); highest among the groups gnomAD compares: Middle Eastern, 0.05%; no homozygotes.

Submissions (2):

Labcorp Genetics (formerly Invitae), Labcorp
Classification: Uncertain significance. Last evaluated: 2022-07-25. Review status: criteria provided, single submitter. Criteria: Invitae Variant Classification Sherloc (09022015). Collection method: clinical testing. Allele origin: germline.
Comment: This sequence change replaces proline, which is neutral and non-polar, with leucine, which is neutral and non-polar, at codon 244 of the CDCA7 protein (p.Pro244Leu). The frequency data for this variant in the population databases is considered unreliable, as metrics indicate poor data quality at this position in the gnomAD database. This variant has not been reported in the literature in individuals affected with CDCA7-related conditions. ClinVar contains an entry for this variant (Variation ID: 964462). Algorithms developed to predict the effect of missense changes on protein structure and function are either unavailable or do not agree on the potential impact of this missense change (SIFT: "Deleterious"; PolyPhen-2: "Benign"; Align-GVGD: "Class C25"). In summary, the available evidence is currently insufficient to determine the role of this variant in disease. Therefore, it has been classified as a Variant of Uncertain Significance.

Fulgent Genetics
Classification: Uncertain significance for Immunodeficiency-centromeric instability-facial anomalies syndrome 3. Last evaluated: 2021-08-25. Review status: criteria provided, single submitter. Criteria: ACMG Guidelines, 2015. Collection method: clinical testing. Allele origin: unknown.